The following is an entry in ClinVar:

ClinVar aggregate classification (germline): Conflicting classifications of pathogenicity. Review status: criteria provided, conflicting classifications (1 of 4 stars). 5 submissions from 3 submitters: Uncertain significance (4); Likely benign (1). Last evaluated 2023-01-01.

Conditions:
Chronic infantile neurological, cutaneous and articular syndrome (CINCA). Also called: CINCA syndrome; CRYOPYRIN-ASSOCIATED PERIODIC SYNDROME 3; CHRONIC NEUROLOGIC CUTANEOUS AND ARTICULAR SYNDROME; Prieur Griscelli syndrome. Identifiers: Orphanet 1451, MedGen C0409818, MONDO:0011776, OMIM 607115.
Familial amyloid nephropathy with urticaria AND deafness (MWS). Also called: UDA SYNDROME; URTICARIA-DEAFNESS-AMYLOIDOSIS SYNDROME; MUCKLE-WELLS SYNDROME; CRYOPYRIN-ASSOCIATED PERIODIC SYNDROME 2; Urticaria, deafness and amyloidosis. Identifiers: Orphanet 575, MedGen C0268390, MONDO:0008633, OMIM 191900.
Familial cold autoinflammatory syndrome 1 (FCAS1). Also called: CRYOPYRIN-ASSOCIATED PERIODIC SYNDROME 1; Familial cold inflammatory syndrome 1. Identifiers: Orphanet 47045, MedGen C4551895, MONDO:0007349, OMIM 120100.

Allele frequency attached by ClinVar (database versions not stated): gnomAD 0.00005 and 0.00016; TOPMed 0.00008; 1000 Genomes Project 0.00020; 1000 Genomes Project 30x 0.00031; gnomAD exomes 0.00047.
gnomAD v4.1: 525 of 1,233,310 alleles (0.043%); highest among the groups gnomAD compares: South Asian, 0.3%; 4 homozygotes.

Submissions (5):

CeGaT Center for Human Genetics Tuebingen
Classification: Likely benign. Last evaluated: 2023-01-01. Review status: criteria provided, single submitter. Criteria: CeGaT Center For Human Genetics Tuebingen Variant Classification Criteria Version 2. Collection method: clinical testing. Allele origin: germline. Affected: yes. Observed: 2 variant alleles.
Comment: NLRP3: BS1

Illumina Laboratory Services, Illumina
Classification: Uncertain significance for Familial amyloid nephropathy with urticaria AND deafness. Last evaluated: 2018-01-13. Review status: criteria provided, single submitter. Criteria: ICSL Variant Classification Criteria 13 December 2019. Collection method: clinical testing. Allele origin: germline.

Illumina Laboratory Services, Illumina
Classification: Uncertain significance for Familial cold autoinflammatory syndrome 1. Last evaluated: 2018-01-13. Review status: criteria provided, single submitter. Criteria: ICSL Variant Classification Criteria 13 December 2019. Collection method: clinical testing. Allele origin: germline.

Illumina Laboratory Services, Illumina
Classification: Uncertain significance for Chronic infantile neurological, cutaneous and articular syndrome. Last evaluated: 2018-01-13. Review status: criteria provided, single submitter. Criteria: ICSL Variant Classification Criteria 13 December 2019. Collection method: clinical testing. Allele origin: germline.

Breakthrough Genomics
Classification: Uncertain significance. Review status: criteria provided, single submitter. Criteria: ACMG Guidelines, 2015. Collection method: not provided. Allele origin: germline. Inheritance: Autosomal dominant inheritance. Affected: yes.

NM_001243133.2(NLRP3):c.-122T>C

Gene: NLRP3 (NLR family pyrin domain containing 3; plus strand). Cytogenetic location: 1q44.
Variant type: single nucleotide variant.
Coding change: c.-122T>C on transcript NM_001243133.2 (MANE Select); 122 bases upstream of the start codon, T replaced by C.
Molecular consequence: 5 prime UTR variant. On other transcripts: intron variant (1).
Genome position (GRCh38, 1-based): chr1:247,418,679, T>C. VCF-style: chr1-247418679-T-C. GRCh37 (hg19) VCF-style: chr1-247581981-T-C.
Other names: c.-122T>C (NM_001127461.3, NM_001127462.3, NM_183395.3); c.-116T>C (NM_004895.5); c.-44-78T>C (NM_001079821.3).
Identifiers: ClinVar variation 296934 (VCV000296934.35), dbSNP rs202234129, ClinGen allele CA10610773.
Genomic context (GRCh38, chr1:247,418,679, plus strand): 5'-ATTAAAGATTTTGACTTGTTACAGTCATGTGACATTTTTTTCTTTCTGTTTGCTGAGTTT[T>C]TGATAATTTATATCTCTCAAAGTGGAGACTTTAAAAAAGACTCATCCGTGTGCCGTGTTC-3'